The following is an entry in ClinVar:

ClinVar aggregate classification (germline): Uncertain significance. Review status: criteria provided, multiple submitters, no conflicts (2 of 4 stars). 2 submissions from 2 submitters: Uncertain significance (2). Last evaluated 2024-01-12.

Conditions:
Hypertrophic cardiomyopathy. Also called: HYPERTROPHIC MYOCARDIOPATHY. Identifiers: Orphanet 217569, MedGen C0007194, MeSH D002312, MONDO:0005045, HP:0001639.
Primary dilated cardiomyopathy (DCM). Also called: Dilated Cardiomyopathy. Identifiers: Orphanet 217604, MedGen C0007193, MeSH D002311, MONDO:0005021, HP:0001644. Inheritance: Various modes of inheritance.

Allele frequency attached by ClinVar (database versions not stated): TOPMed 0.00002.
gnomAD v4.1: 6 of 1,609,028 alleles (0.00037%); highest among the groups gnomAD compares: African/African-American, 0.0067%; no homozygotes.

Submissions (2):

Labcorp Genetics (formerly Invitae), Labcorp
Classification: Uncertain significance for Hypertrophic cardiomyopathy; Primary dilated cardiomyopathy. Last evaluated: 2024-01-12. Review status: criteria provided, single submitter. Criteria: Invitae Variant Classification Sherloc (09022015). Collection method: clinical testing. Allele origin: germline.
Comment: This sequence change replaces aspartic acid, which is acidic and polar, with glutamic acid, which is acidic and polar, at codon 232 of the PDLIM3 protein (p.Asp232Glu). This variant is present in population databases (no rsID available, gnomAD 0.01%). This variant has not been reported in the literature in individuals affected with PDLIM3-related conditions. ClinVar contains an entry for this variant (Variation ID: 961180). Advanced modeling of protein sequence and biophysical properties (such as structural, functional, and spatial information, amino acid conservation, physicochemical variation, residue mobility, and thermodynamic stability) performed at Invitae indicates that this missense variant is not expected to disrupt PDLIM3 protein function with a negative predictive value of 80%. In summary, the available evidence is currently insufficient to determine the role of this variant in disease. Therefore, it has been classified as a Variant of Uncertain Significance.

Ambry Genetics
Classification: Uncertain significance. Last evaluated: 2022-01-19. Review status: criteria provided, single submitter. Criteria: Ambry Variant Classification Scheme 2023. Collection method: clinical testing. Allele origin: germline.
Comment: The p.D232E variant (also known as c.696C>G), located in coding exon 6 of the PDLIM3 gene, results from a C to G substitution at nucleotide position 696. The aspartic acid at codon 232 is replaced by glutamic acid, an amino acid with highly similar properties. This amino acid position is conserved. In addition, this alteration is predicted to be tolerated by in silico analysis. Since supporting evidence is limited at this time, the clinical significance of this alteration remains unclear.

NM_014476.6(PDLIM3):c.696C>G (p.Asp232Glu)

Gene: PDLIM3 (PDZ and LIM domain 3; minus strand). Cytogenetic location: 4q35.1.
Variant type: single nucleotide variant.
Coding change: c.696C>G on transcript NM_014476.6 (MANE Select); coding-DNA position 696, C replaced by G.
Protein change: p.Asp232Glu; replaces aspartic acid 232 with glutamic acid.
Molecular consequence: missense variant. On other transcripts: non-coding transcript variant (1).
Genome position (GRCh38, 1-based): chr4:185,506,619, G>C on the plus strand (C>G on the coding strand, the complement: PDLIM3 is on the minus strand). VCF-style: chr4-185506619-G-C. GRCh37 (hg19) VCF-style: chr4-186427773-G-C.
Other names: c.552C>G, p.Asp184Glu (NM_001114107.5); c.432C>G, p.Asp144Glu (NM_001257962.2); c.195C>G, p.Asp65Glu (NM_001257963.2); short protein forms D232E, D144E, D184E, D65E.
Identifiers: ClinVar variation 961180 (VCV000961180.12), dbSNP rs148256486, ClinGen allele CA112043810.